The following is an entry in ClinVar:

NC_000002.11:g.(?_48032572)_(48032937_?)dup

Gene: MSH6 (mutS homolog 6; plus strand). Cytogenetic location: 2p16.3.
Variant type: Duplication.
Identifiers: ClinVar variation 1495639 (VCV001495639.5).

ClinVar aggregate classification (germline): Uncertain significance (1 of 4 stars; one submission).

Conditions:
Hereditary nonpolyposis colorectal neoplasms. Identifiers: MedGen C0009405, MeSH D003123.

Submission:

Labcorp Genetics (formerly Invitae), Labcorp
Classification: Uncertain significance for Hereditary nonpolyposis colorectal neoplasms. Last evaluated: 2021-07-22. Review status: criteria provided, single submitter. Criteria: Invitae Variant Classification Sherloc (09022015). Collection method: clinical testing. Allele origin: germline.
Comment: In summary, the available evidence is currently insufficient to determine the role of this variant in disease. Therefore, it has been classified as a Variant of Uncertain Significance. Experimental studies and prediction algorithms are not available or were not evaluated, and the functional significance of this variant is currently unknown. This variant has not been reported in the literature in individuals affected with MSH6-related conditions. This variant results in a copy number gain of the genomic region encompassing exon(s) 7 of the MSH6 gene. While the exact position of this variant cannot be determined from the data, sub-genic copy number gains are generally in tandem (PMID: 25640679). This variant is predicted to be in-frame, and likely preserves the integrity of the reading frame.

Literature cited by the submitters: PubMed 25640679.